The following is an entry in ClinVar:

NM_024312.5(GNPTAB):c.80T>A (p.Val27Asp)

Gene: GNPTAB (N-acetylglucosamine-1-phosphate transferase subunits alpha and beta; minus strand). Cytogenetic location: 12q23.2.
Variant type: single nucleotide variant.
Coding change: c.80T>A on transcript NM_024312.5 (MANE Select); coding-DNA position 80, T replaced by A.
Protein change: p.Val27Asp; replaces valine 27 with aspartic acid.
Molecular consequence: missense variant.
Genome position (GRCh38, 1-based): chr12:101,830,596, A>T on the plus strand (T>A on the coding strand, the complement: GNPTAB is on the minus strand). VCF-style: chr12-101830596-A-T. GRCh37 (hg19) VCF-style: chr12-102224374-A-T.
Other names: short protein forms V27D.
Identifiers: ClinVar variation 4816155 (VCV004816155.1).

ClinVar aggregate classification (germline): Likely pathogenic (1 of 4 stars; one submission).

Conditions:
Mucolipidosis type II. Also called: ML II ALPHA/BETA; Mucolipidosis 2; ML 2; Inclusion cell disease; Leroy Disease; N-acetylglucosamine 1phosphotransferase deficiency. Identifiers: Orphanet 576, MedGen C2673377, MONDO:0009650, OMIM 252500.

Submission:

Natera, Inc.
Classification: Likely pathogenic for Mucolipidosis type II. Last evaluated: 2024-09-12. Review status: criteria provided, single submitter. Criteria: Natera Variant Classification Schema (03/2026). Collection method: clinical testing. Allele origin: germline.
Comment: The c.80T>A variant in GNPTAB is a missense variant predicted to cause substitution of valine to aspartic acid at amino acid 27. This variant is rare in the general population with a frequency below the threshold expected for the associated phenotype(s). This variant has been observed in one or more individuals affected with the associated recessive disease, as either homozygous or compound heterozygous with a second variant (PMID: 32036093). Functional studies show that this variant may disrupt protein function (PMID: 32220096). Computational prediction algorithms indicate this variant is likely to affect gene or protein function. Given the available evidence, this variant is classified as Likely Pathogenic.

Literature cited by the submitters: PubMed 32036093; PubMed 32220096.